The following is an entry in ClinVar:

ClinVar aggregate classification (germline): Uncertain significance. Review status: criteria provided, multiple submitters, no conflicts (2 of 4 stars). 3 submissions from 3 submitters: Uncertain significance (3). Last evaluated 2025-12-08.

Conditions:
Neuroblastoma, susceptibility to, 3. Also called: ALK-Related Neuroblastic Tumor Susceptibility. Identifiers: Orphanet 635, MedGen C2751681, MONDO:0013083, OMIM 613014.
Hereditary cancer-predisposing syndrome. Also called: Hereditary neoplastic syndrome; Neoplastic Syndromes, Hereditary; Tumor predisposition; Hereditary Cancer Syndrome. Identifiers: Orphanet 140162, MedGen C0027672, MeSH D009386, MONDO:0015356.

Allele frequency attached by ClinVar (database versions not stated): gnomAD exomes below 0.00001 and 0.00001.
gnomAD v4.1: 8 of 1,614,104 alleles (0.0005%); highest among the groups gnomAD compares: South Asian, 0.0022%; no homozygotes.

Submissions (3):

Labcorp Genetics (formerly Invitae), Labcorp
Classification: Uncertain significance for Neuroblastoma, susceptibility to, 3. Last evaluated: 2025-12-08. Review status: criteria provided, single submitter. Criteria: Invitae Variant Classification Sherloc (09022015). Collection method: clinical testing. Allele origin: germline.
Comment: This sequence change replaces arginine, which is basic and polar, with histidine, which is basic and polar, at codon 1181 of the ALK protein (p.Arg1181His). This variant is present in population databases (no rsID available, gnomAD 0.003%). This variant has not been reported in the literature in individuals affected with ALK-related conditions. ClinVar contains an entry for this variant (Variation ID: 470835). An algorithm developed to predict the effect of missense changes on protein structure and function (PolyPhen-2) suggests that this variant is likely to be disruptive. In summary, the available evidence is currently insufficient to determine the role of this variant in disease. Therefore, it has been classified as a Variant of Uncertain Significance.

Ambry Genetics
Classification: Uncertain significance for Hereditary cancer-predisposing syndrome. Last evaluated: 2024-10-16. Review status: criteria provided, single submitter. Criteria: Ambry Variant Classification Scheme 2023. Collection method: clinical testing. Allele origin: germline.
Comment: The p.R1181H variant (also known as c.3542G>A), located in coding exon 23 of the ALK gene, results from a G to A substitution at nucleotide position 3542. The arginine at codon 1181 is replaced by histidine, an amino acid with highly similar properties. This amino acid position is highly conserved in available vertebrate species. In addition, this alteration is predicted to be deleterious by in silico analysis. Based on the available evidence, the clinical significance of this variant remains unclear.

Baylor Genetics
Classification: Uncertain significance for Neuroblastoma, susceptibility to, 3. Last evaluated: 2024-01-27. Review status: criteria provided, single submitter. Criteria: ACMG Guidelines, 2015. Collection method: clinical testing. Allele origin: unknown.

NM_004304.5(ALK):c.3542G>A (p.Arg1181His)

Gene: ALK (ALK receptor tyrosine kinase; minus strand). Cytogenetic location: 2p23.2.
Variant type: single nucleotide variant.
Coding change: c.3542G>A on transcript NM_004304.5 (MANE Select); coding-DNA position 3542, G replaced by A.
Protein change: p.Arg1181His; replaces arginine 1181 with histidine.
Molecular consequence: missense variant.
Genome position (GRCh38, 1-based): chr2:29,220,809, C>T on the plus strand (G>A on the coding strand, the complement: ALK is on the minus strand). VCF-style: chr2-29220809-C-T. GRCh37 (hg19) VCF-style: chr2-29443675-C-T.
Other names: c.338G>A, p.Arg113His (NM_001353765.2); short protein forms R1181H, R113H.
Identifiers: ClinVar variation 470835 (VCV000470835.15), dbSNP rs1034835558, ClinGen allele CA44655607.